The following is an entry in ClinVar:

ClinVar aggregate classification (germline): Uncertain significance (1 of 4 stars; one submission).

gnomAD v4.1: 9 of 1,613,522 alleles (0.00056%); highest among the groups gnomAD compares: African/African-American, 0.012%; no homozygotes.

Submission:

Labcorp Genetics (formerly Invitae), Labcorp
Classification: Uncertain significance. Last evaluated: 2024-04-02. Review status: criteria provided, single submitter. Criteria: Invitae Variant Classification Sherloc (09022015). Collection method: clinical testing. Allele origin: germline.
Comment: This sequence change replaces aspartic acid, which is acidic and polar, with alanine, which is neutral and non-polar, at codon 1787 of the LRP2 protein (p.Asp1787Ala). This variant is not present in population databases (gnomAD no frequency). This variant has not been reported in the literature in individuals affected with LRP2-related conditions. ClinVar contains an entry for this variant (Variation ID: 2064449). An algorithm developed to predict the effect of missense changes on protein structure and function (PolyPhen-2) suggests that this variant is likely to be tolerated. In summary, the available evidence is currently insufficient to determine the role of this variant in disease. Therefore, it has been classified as a Variant of Uncertain Significance.

NM_004525.3(LRP2):c.5360A>C (p.Asp1787Ala)

Gene: LRP2 (LDL receptor related protein 2; minus strand). Cytogenetic location: 2q31.1.
Variant type: single nucleotide variant.
Coding change: c.5360A>C on transcript NM_004525.3 (MANE Select); coding-DNA position 5360, A replaced by C.
Protein change: p.Asp1787Ala; replaces aspartic acid 1787 with alanine.
Molecular consequence: missense variant.
Genome position (GRCh38, 1-based): chr2:169,226,456, T>G on the plus strand (A>C on the coding strand, the complement: LRP2 is on the minus strand). VCF-style: chr2-169226456-T-G. GRCh37 (hg19) VCF-style: chr2-170082966-T-G.
Other names: short protein forms D1787A.
Identifiers: ClinVar variation 2064449 (VCV002064449.3), dbSNP rs111233002, ClinGen allele CA59908142.
Genomic context (GRCh38, chr2:169,226,456, plus strand): 5'-TACTTTGAATGTTATTCAAAACTTACTGGATTTTCAACCCAATAGATGTATTGCTCAGCA[T>G]CATCAAATTCAACATCTAAACCATTCTGTATCCCTGCTATGGGGACCATAGCATCATTGC-3'
Protein context (NP_004516.2, residues 1777-1797): IQNGLDVEFD[Asp1787Ala]AEQYIYWVEN